The following is an entry in ClinVar:

NM_001267550.2(TTN):c.69211_69214delinsTCT (p.Pro23071fs)

Genes: TTN (titin; minus strand), TTN-AS1 (TTN antisense RNA 1; plus strand). Cytogenetic location: 2q31.2.
Variant type: Indel.
Coding change: c.69211_69214delinsTCT on transcript NM_001267550.2 (MANE Select); coding-DNA positions 69211 to 69214, CCAA replaced by TCT.
Protein change: p.Pro23071fs; shifts the reading frame from proline 23071.
Molecular consequence: frameshift variant.
Genome position (GRCh38, 1-based): chr2:178,577,121-178,577,124, TTGG replaced by AGA on the plus strand (CCAA replaced by TCT on the coding strand, the reverse complement: TTN is on the minus strand). VCF-style: chr2-178577121-TTGG-AGA. GRCh37 (hg19) VCF-style: chr2-179441848-TTGG-AGA.
Other names: c.64288_64291delCCAAinsTCT (NM_001256850.1); c.64288_64291delinsTCT, p.Pro21430fs (NM_001256850.1); c.42016_42019delinsTCT, p.Pro14006fs (NM_003319.4); c.61507_61510delinsTCT, p.Pro20503fs (NM_133378.4); c.42391_42394delinsTCT, p.Pro14131fs (NM_133432.3); c.42592_42595delinsTCT, p.Pro14198fs (NM_133437.4); c.69211_69214delinsTCT (NM_001267550.1); c.42016_42019delCCAAinsTCT (NM_003319.4); short protein forms P14131fs, P21430fs, P23071fs, P14006fs, P14198fs, P20503fs.
Identifiers: ClinVar variation 265696 (VCV000265696.7), dbSNP rs886039741, ClinGen allele CA10588326.

ClinVar aggregate classification (germline): Pathogenic/Likely pathogenic. Review status: criteria provided, multiple submitters, no conflicts (2 of 4 stars). 2 submissions from 2 submitters: Pathogenic (1); Likely pathogenic (1). Last evaluated 2024-05-22.

Conditions:
Cardiovascular phenotype. Identifiers: MedGen CN230736.

Submissions (2):

GeneDx
Classification: Pathogenic. Last evaluated: 2024-05-22. Review status: criteria provided, single submitter. Criteria: GeneDx Variant Classification Process June 2021. Collection method: clinical testing. Allele origin: germline. Affected: yes.
Comment: Frameshift variant predicted to result in protein truncation or nonsense mediated decay in a gene for which loss of function is a known mechanism of disease; Located in the A-band region of TTN in which the majority of loss of function variants have been associated with autosomal dominant titinopathies (PMID: 22335739); Not observed at significant frequency in large population cohorts (gnomAD); Has not been previously published as pathogenic or benign to our knowledge

Ambry Genetics
Classification: Likely pathogenic for Cardiovascular phenotype. Last evaluated: 2023-12-14. Review status: criteria provided, single submitter. Criteria: Ambry Variant Classification Scheme 2023. Collection method: clinical testing. Allele origin: germline.
Comment: The c.42016_42019delCCAAinsTCT variant, located in coding exon 151 of the TTN gene, results from the deletion of 4 nucleotides and insertion of 3 nucleotides causing a translational frameshift with a predicted alternate stop codon (p.P14006Sfs*47). This exon is located in the A-band region of the N2-B isoform of the titin protein and is constitutively expressed in TTN transcripts (percent spliced in or PSI 100%). This alteration is expected to result in loss of function by premature protein truncation or nonsense-mediated mRNA decay. While truncating variants in TTN are present in 1-3% of the general population, truncating variants in the A-band are the most common cause of dilated cardiomyopathy (DCM) (Herman DS et al. N. Engl. J. Med., 2012 Feb;366:619-28; Roberts AM et al. Sci Transl Med, 2015 Jan;7:270ra6). TTN truncating variants encoded in constitutive exons (PSI >90%) have been found to be significantly associated with DCM regardless of their position in titin (Schafer S et al. Nat. Genet., 2017 01;49:46-53). This variant is considered to be rare based on population cohorts in the Genome Aggregation Database (gnomAD). Based on the majority of available evidence to date, this variant is likely to be pathogenic.